The following is an entry in ClinVar:

ClinVar aggregate classification (germline): Uncertain significance (1 of 4 stars; one submission).

gnomAD v4.1: 1 of 1,612,768 alleles (0.000062%); highest among the groups gnomAD compares: Non-Finnish European, 0.000085%; no homozygotes.

Submission:

Labcorp Genetics (formerly Invitae), Labcorp
Classification: Uncertain significance. Last evaluated: 2025-11-07. Review status: criteria provided, single submitter. Criteria: Invitae Variant Classification Sherloc (09022015). Collection method: clinical testing. Allele origin: germline.
Comment: This sequence change replaces leucine, which is neutral and non-polar, with phenylalanine, which is neutral and non-polar, at codon 173 of the CERKL protein (p.Leu173Phe). This variant is present in population databases (rs766773742, gnomAD 0.0009%). This variant has not been reported in the literature in individuals affected with CERKL-related conditions. Invitae Evidence Modeling of protein sequence and biophysical properties (such as structural, functional, and spatial information, amino acid conservation, physicochemical variation, residue mobility, and thermodynamic stability) indicates that this missense variant is expected to disrupt CERKL protein function with a positive predictive value of 95%. In summary, the available evidence is currently insufficient to determine the role of this variant in disease. Therefore, it has been classified as a Variant of Uncertain Significance.

NM_201548.5(CERKL):c.517C>T (p.Leu173Phe)

Gene: CERKL (CERK like autophagy regulator; minus strand). Cytogenetic location: 2q31.3.
Variant type: single nucleotide variant.
Coding change: c.517C>T on transcript NM_201548.5 (MANE Select); coding-DNA position 517, C replaced by T.
Protein change: p.Leu173Phe; replaces leucine 173 with phenylalanine.
Molecular consequence: missense variant. On other transcripts: non-coding transcript variant (1), intron variant (2).
Genome position (GRCh38, 1-based): chr2:181,573,849, G>A on the plus strand (C>T on the coding strand, the complement: CERKL is on the minus strand). VCF-style: chr2-181573849-G-A. GRCh37 (hg19) VCF-style: chr2-182438576-G-A.
Other names: c.517C>T, p.Leu173Phe (NM_001030311.3, NM_001030313.3); c.482-24141C>T (NM_001030312.3); c.482-7728C>T (NM_001160277.2); short protein forms L173F.
Identifiers: ClinVar variation 4698362 (VCV004698362.1).
Genomic context (GRCh38, chr2:181,573,849, plus strand): 5'-GAGGTTCAACCTTCTCATAATAAACCTGGGTAGCTTCTTTTTTGTGACTTTGGGGGTTAA[G>A]GAGTATTTTTAATGACTTCGGTCTGTTTGGAAAGCCTAAGAAGAAATTTTAAAGACAAAG-3'
Protein context (NP_963842.1, residues 163-183): PNRPKSLKIL[Leu173Phe]NPQSHKKEAT